The following is an entry in ClinVar:

NM_001042492.3(NF1):c.654+2dup

Gene: NF1 (neurofibromin 1; plus strand). Cytogenetic location: 17q11.2.
Variant type: Duplication.
Coding change: c.654+2dup on transcript NM_001042492.3 (MANE Select); the canonical splice donor site of the intron after coding-DNA position 654, one base duplicated (T; older notation c.654+2dupT).
Molecular consequence: splice donor variant.
Genome position (GRCh38, 1-based): chr17:31,181,491, T duplicated. VCF-style (leftmost placement, unchanged base first): chr17-31181490-G-GT. GRCh37 (hg19) VCF-style: chr17-29508508-G-GT.
Other names: c.654+2dupT (NM_000267.3); c.654+2dup (NM_000267.4, NM_001128147.3).
Identifiers: ClinVar variation 2979147 (VCV002979147.4), dbSNP rs2544748073, ClinGen allele CA499206870.

ClinVar aggregate classification (germline): Pathogenic/Likely pathogenic. Review status: criteria provided, multiple submitters, no conflicts (2 of 4 stars). 2 submissions from 2 submitters: Pathogenic (1); Likely pathogenic (1). Last evaluated 2025-06-05.

Conditions:
Neurofibromatosis, type 1 (NF1). Also called: Peripheral type neurofibromatosis; NEUROFIBROMATOSIS, TYPE I, SOMATIC; Neurofibromatosis, type I; VON RECKLINGHAUSEN DISEASE. Identifiers: Orphanet 636, MedGen C0027831, MONDO:0018975, OMIM 162200. Disease mechanism: loss of function.
Cardiovascular phenotype. Identifiers: MedGen CN230736.
Hereditary cancer-predisposing syndrome. Also called: Tumor predisposition; Hereditary neoplastic syndrome; Neoplastic Syndromes, Hereditary; Hereditary Cancer Syndrome. Identifiers: Orphanet 140162, MedGen C0027672, MeSH D009386, MONDO:0015356.

Submissions (2):

Ambry Genetics
Classification: Likely pathogenic for Cardiovascular phenotype; Hereditary cancer-predisposing syndrome. Last evaluated: 2025-06-05. Review status: criteria provided, single submitter. Criteria: Ambry Variant Classification Scheme 2023. Collection method: clinical testing. Allele origin: germline.
Comment: The c.654+2dupT intronic variant, results from a duplication of one nucleotide at nucleotide position 654+2 after intron 6 of the NF1 gene. This variant was reported in individual(s) with features consistent with neurofibromatosis type 1 (NF1) (Kosaki R et al. Am J Med Genet A, 2020 Jul;182:1601-1607). This variant is considered to be rare based on population cohorts in the Genome Aggregation Database (gnomAD). This nucleotide position is highly conserved in available vertebrate species. In silico splice site analysis predicts that this alteration will weaken the native splice donor site. In addition to the clinical data presented in the literature, alterations that disrupt the canonical splice site are expected to cause aberrant splicing, resulting in an abnormal protein or a transcript that is subject to nonsense-mediated mRNA decay. As such, this alteration is classified as likely pathogenic.

Labcorp Genetics (formerly Invitae), Labcorp
Classification: Pathogenic for Neurofibromatosis, type 1. Last evaluated: 2025-01-20. Review status: criteria provided, single submitter. Criteria: Invitae Variant Classification Sherloc (09022015). Collection method: clinical testing. Allele origin: germline.
Comment: This sequence change falls in intron 6 of the NF1 gene. It does not directly change the encoded amino acid sequence of the NF1 protein. It affects a nucleotide within the consensus splice site. This variant is not present in population databases (gnomAD no frequency). This variant has been observed in individual(s) with NF1-related conditions (PMID: 32369273; internal data). In at least one individual the variant was observed to be de novo. ClinVar contains an entry for this variant (Variation ID: 2979147). Variants that disrupt the consensus splice site are a relatively common cause of aberrant splicing (PMID: 17576681, 9536098). Algorithms developed to predict the effect of sequence changes on RNA splicing suggest that this variant may disrupt the consensus splice site. For these reasons, this variant has been classified as Pathogenic.

Literature cited by the submitters: PubMed 32369273 (cited by Ambry Genetics and Labcorp Genetics (formerly Invitae), Labcorp); PubMed 17576681 (cited by Labcorp Genetics (formerly Invitae), Labcorp); PubMed 9536098 (cited by Labcorp Genetics (formerly Invitae), Labcorp).